The following is an entry in ClinVar:

ClinVar aggregate classification (germline): Uncertain significance (1 of 4 stars; one submission).

Allele frequency attached by ClinVar (database versions not stated): TOPMed below 0.00001; gnomAD 0.00001; gnomAD exomes 0.00001; 1000 Genomes Project 30x 0.00016; 1000 Genomes Project 0.00020.
gnomAD v4.1: 12 of 1,536,976 alleles (0.00078%); highest among the groups gnomAD compares: Admixed American, 0.0059%; no homozygotes.

Submission:

Labcorp Genetics (formerly Invitae), Labcorp
Classification: Uncertain significance. Last evaluated: 2022-10-03. Review status: criteria provided, single submitter. Criteria: Invitae Variant Classification Sherloc (09022015). Collection method: clinical testing. Allele origin: germline.
Comment: This sequence change replaces proline, which is neutral and non-polar, with threonine, which is neutral and polar, at codon 27 of the ZNF469 protein (p.Pro27Thr). This variant is present in population databases (rs567229543, gnomAD 0.004%). This variant has not been reported in the literature in individuals affected with ZNF469-related conditions. ClinVar contains an entry for this variant (Variation ID: 1518269). Algorithms developed to predict the effect of missense changes on protein structure and function output the following: SIFT: "Tolerated"; PolyPhen-2: "Benign"; Align-GVGD: "Class C0". The threonine amino acid residue is found in multiple mammalian species, which suggests that this missense change does not adversely affect protein function. In summary, the available evidence is currently insufficient to determine the role of this variant in disease. Therefore, it has been classified as a Variant of Uncertain Significance.

NM_001367624.2(ZNF469):c.79C>A (p.Pro27Thr)

Gene: ZNF469 (zinc finger protein 469; plus strand). Cytogenetic location: 16q24.2.
Variant type: single nucleotide variant.
Coding change: c.79C>A on transcript NM_001367624.2 (MANE Select); coding-DNA position 79, C replaced by A.
Protein change: p.Pro27Thr; replaces proline 27 with threonine.
Molecular consequence: missense variant.
Genome position (GRCh38, 1-based): chr16:88,427,549, C>A. VCF-style: chr16-88427549-C-A. GRCh37 (hg19) VCF-style: chr16-88493957-C-A.
Other names: short protein forms P27T.
Identifiers: ClinVar variation 1518269 (VCV001518269.5), dbSNP rs567229543, ClinGen allele CA286371247.